The following is an entry in ClinVar:

ClinVar aggregate classification (germline): Conflicting classifications of pathogenicity. Review status: criteria provided, conflicting classifications (1 of 4 stars). 2 submissions from 2 submitters: Uncertain significance (1); Likely benign (1). Last evaluated 2026-09-01.

Allele frequency attached by ClinVar (database versions not stated): TOPMed 0.00009.

Submissions (2):

CeGaT Center for Human Genetics Tuebingen
Classification: Likely benign. Last evaluated: 2026-09-01. Review status: criteria provided, single submitter. Criteria: CeGaT Center For Human Genetics Tuebingen Variant Classification Criteria Version 2. Collection method: clinical testing. Allele origin: germline. Affected: yes. Observed: 4 variant alleles.
Comment: KAT5: BS2

Ambry Genetics
Classification: Uncertain significance. Last evaluated: 2024-01-24. Review status: criteria provided, single submitter. Criteria: Ambry Variant Classification Scheme 2023. Collection method: clinical testing. Allele origin: germline.

NM_182710.3(KAT5):c.478G>C (p.Gly160Arg)

Gene: KAT5 (lysine acetyltransferase 5; plus strand). Cytogenetic location: 11q13.1.
Variant type: single nucleotide variant.
Coding change: c.478G>C on transcript NM_182710.3 (MANE Select); coding-DNA position 478, G replaced by C.
Protein change: p.Gly160Arg; replaces glycine 160 with arginine.
Molecular consequence: missense variant. On other transcripts: intron variant (2).
Genome position (GRCh38, 1-based): chr11:65,713,441, G>C. VCF-style: chr11-65713441-G-C. GRCh37 (hg19) VCF-style: chr11-65480912-G-C.
Other names: c.379G>C, p.Gly127Arg (NM_006388.4); c.385-152G>C (NM_001206833.2); c.286-152G>C (NM_182709.3); short protein forms G160R, G127R.
Identifiers: ClinVar variation 2372508 (VCV002372508.15), dbSNP rs777887005, ClinGen allele CA6107235.